The following is an entry in ClinVar:

NM_007055.4(POLR3A):c.1784G>A (p.Trp595Ter)

Gene: POLR3A (RNA polymerase III subunit A; minus strand). Cytogenetic location: 10q22.3.
Variant type: single nucleotide variant.
Coding change: c.1784G>A on transcript NM_007055.4 (MANE Select); coding-DNA position 1784, G replaced by A.
Protein change: p.Trp595Ter; replaces tryptophan 595 with a stop codon.
Molecular consequence: nonsense.
Genome position (GRCh38, 1-based): chr10:78,009,662, C>T on the plus strand (G>A on the coding strand, the complement: POLR3A is on the minus strand). VCF-style: chr10-78009662-C-T. GRCh37 (hg19) VCF-style: chr10-79769420-C-T.
Other names: c.1784G>A (NM_007055.3); short protein forms W595*.
Identifiers: ClinVar variation 3018940 (VCV003018940.4), dbSNP rs1396054344, ClinGen allele CA377340864.

ClinVar aggregate classification (germline): Pathogenic. Review status: criteria provided, multiple submitters, no conflicts (2 of 4 stars). 2 submissions from 2 submitters: Pathogenic (2). Last evaluated 2025-08-10.

Allele frequency attached by ClinVar (database versions not stated): gnomAD exomes below 0.00001; TOPMed 0.00002; gnomAD 0.00003.
gnomAD v4.1: 9 of 1,614,032 alleles (0.00056%); highest among the groups gnomAD compares: Admixed American, 0.0017%; no homozygotes.

Submissions (2):

Labcorp Genetics (formerly Invitae), Labcorp
Classification: Pathogenic. Last evaluated: 2025-08-10. Review status: criteria provided, single submitter. Criteria: Invitae Variant Classification Sherloc (09022015). Collection method: clinical testing. Allele origin: germline.
Comment: This sequence change creates a premature translational stop signal (p.Trp595*) in the POLR3A gene. It is expected to result in an absent or disrupted protein product. Loss-of-function variants in POLR3A are known to be pathogenic (PMID: 21855841, 25339210, 27612211, 30414627, 30450527). This variant is present in population databases (no rsID available, gnomAD 0.002%). This variant has not been reported in the literature in individuals affected with POLR3A-related conditions. ClinVar contains an entry for this variant (Variation ID: 3018940). For these reasons, this variant has been classified as Pathogenic.

GeneDx
Classification: Pathogenic. Last evaluated: 2024-05-30. Review status: criteria provided, single submitter. Criteria: GeneDx Variant Classification Process June 2021. Collection method: clinical testing. Allele origin: germline. Affected: yes.
Comment: Not observed at significant frequency in large population cohorts (gnomAD); Has not been previously published as pathogenic or benign to our knowledge; Nonsense variant predicted to result in protein truncation or nonsense mediated decay in a gene for which loss of function is a known mechanism of disease

Literature cited by the submitters: PubMed 21855841 (cited by Labcorp Genetics (formerly Invitae), Labcorp); PubMed 25339210 (cited by Labcorp Genetics (formerly Invitae), Labcorp); PubMed 27612211 (cited by Labcorp Genetics (formerly Invitae), Labcorp); PubMed 30414627 (cited by Labcorp Genetics (formerly Invitae), Labcorp); PubMed 30450527 (cited by Labcorp Genetics (formerly Invitae), Labcorp).